The following is an entry in ClinVar:

ClinVar aggregate classification (germline): Uncertain significance. Review status: criteria provided, multiple submitters, no conflicts (2 of 4 stars). 3 submissions from 3 submitters: Uncertain significance (3). Last evaluated 2025-08-22.

Conditions:
Cardiovascular phenotype. Identifiers: MedGen CN230736.
Cardiomyopathy, familial hypertrophic 27. Identifiers: MedGen C4748014, MONDO:0054838, OMIM 618052.

Allele frequency attached by ClinVar (database versions not stated): gnomAD exomes below 0.00001.

Submissions (3):

Labcorp Genetics (formerly Invitae), Labcorp
Classification: Uncertain significance. Last evaluated: 2025-08-22. Review status: criteria provided, single submitter. Criteria: Invitae Variant Classification Sherloc (09022015). Collection method: clinical testing. Allele origin: germline.
Comment: This sequence change replaces proline, which is neutral and non-polar, with serine, which is neutral and polar, at codon 700 of the ALPK3 protein (p.Pro700Ser). This variant is not present in population databases (gnomAD no frequency). This variant has not been reported in the literature in individuals affected with ALPK3-related conditions. ClinVar contains an entry for this variant (Variation ID: 2563959). An algorithm developed to predict the effect of missense changes on protein structure and function (PolyPhen-2) suggests that this variant is likely to be disruptive. In summary, the available evidence is currently insufficient to determine the role of this variant in disease. Therefore, it has been classified as a Variant of Uncertain Significance.

Revvity Omics, Revvity
Classification: Uncertain significance for Cardiomyopathy, familial hypertrophic 27. Last evaluated: 2023-06-08. Review status: criteria provided, single submitter. Criteria: ACMG Guidelines, 2015. Collection method: clinical testing. Allele origin: germline.

Ambry Genetics
Classification: Uncertain significance for Cardiovascular phenotype. Last evaluated: 2023-05-15. Review status: criteria provided, single submitter. Criteria: Ambry Variant Classification Scheme 2023. Collection method: clinical testing. Allele origin: germline.
Comment: The p.P700S variant (also known as c.2098C>T), located in coding exon 5 of the ALPK3 gene, results from a C to T substitution at nucleotide position 2098. The proline at codon 700 is replaced by serine, an amino acid with similar properties. This amino acid position is conserved. In addition, this alteration is predicted to be tolerated by in silico analysis. Since supporting evidence is limited at this time, the clinical significance of this alteration remains unclear.

NM_020778.5(ALPK3):c.1492C>T (p.Pro498Ser)

Genes: ALPK3 (alpha kinase 3; plus strand), LOC111718493 (skeletal muscle cis-regulatory module overlapping ALPK3; plus strand). Cytogenetic location: 15q25.3.
Variant type: single nucleotide variant.
Coding change: c.1492C>T on transcript NM_020778.5 (MANE Select); coding-DNA position 1492, C replaced by T.
Protein change: p.Pro498Ser; replaces proline 498 with serine.
Molecular consequence: missense variant.
Genome position (GRCh38, 1-based): chr15:84,840,771, C>T. VCF-style: chr15-84840771-C-T. GRCh37 (hg19) VCF-style: chr15-85384002-C-T.
Other names: short protein forms P498S.
Identifiers: ClinVar variation 2563959 (VCV002563959.5), dbSNP rs2505706780, ClinGen allele CA393375741.